The following is an entry in ClinVar:

NM_018685.5(ANLN):c.140C>G (p.Ala47Gly)

Gene: ANLN (anillin, actin binding protein; plus strand). Cytogenetic location: 7p14.2.
Variant type: single nucleotide variant.
Coding change: c.140C>G on transcript NM_018685.5 (MANE Select); coding-DNA position 140, C replaced by G.
Protein change: p.Ala47Gly; replaces alanine 47 with glycine.
Molecular consequence: missense variant.
Genome position (GRCh38, 1-based): chr7:36,396,387, C>G. VCF-style: chr7-36396387-C-G. GRCh37 (hg19) VCF-style: chr7-36435996-C-G.
Other names: c.140C>G, p.Ala47Gly (NM_001284301.3, NM_001284302.3); c.140C>G (NM_018685.4, NM_018685.2); short protein forms A47G.
Identifiers: ClinVar variation 1437192 (VCV001437192.10), dbSNP rs35765596, ClinGen allele CA4219269.

ClinVar aggregate classification (germline): Uncertain significance. Review status: criteria provided, multiple submitters, no conflicts (2 of 4 stars). 3 submissions from 3 submitters: Uncertain significance (2). 1 of the submissions does not count toward it. Last evaluated 2025-12-10.

Conditions:
ANLN-related disorder. Also called: ANLN-related condition.

Allele frequency attached by ClinVar (database versions not stated): gnomAD exomes 0.00004; ExAC 0.00007; ESP Exome Variant Server 0.00008; gnomAD 0.00021 and 0.00024; TOPMed 0.00025.
gnomAD v4.1: 71 of 1,596,190 alleles (0.0044%); highest among the groups gnomAD compares: African/African-American, 0.09%; no homozygotes.

Submissions (3):

Labcorp Genetics (formerly Invitae), Labcorp
Classification: Uncertain significance. Last evaluated: 2025-12-10. Review status: criteria provided, single submitter. Criteria: Invitae Variant Classification Sherloc (09022015). Collection method: clinical testing. Allele origin: germline.
Comment: This sequence change replaces alanine, which is neutral and non-polar, with glycine, which is neutral and non-polar, at codon 47 of the ANLN protein (p.Ala47Gly). This variant is present in population databases (rs35765596, gnomAD 0.08%), and has an allele count higher than expected for a pathogenic variant. This variant has not been reported in the literature in individuals affected with ANLN-related conditions. ClinVar contains an entry for this variant (Variation ID: 1437192). An algorithm developed to predict the effect of missense changes on protein structure and function (PolyPhen-2) suggests that this variant is likely to be disruptive. In summary, the available evidence is currently insufficient to determine the role of this variant in disease. Therefore, it has been classified as a Variant of Uncertain Significance.

Ambry Genetics
Classification: Uncertain significance. Last evaluated: 2025-11-13. Review status: criteria provided, single submitter. Criteria: Ambry Variant Classification Scheme 2023. Collection method: clinical testing. Allele origin: germline.

PreventionGenetics, part of Exact Sciences
Classification: Likely benign for ANLN-related condition. Last evaluated: 2023-10-26. Review status: no assertion criteria provided. Collection method: clinical testing. Allele origin: germline. Not counted in ClinVar's aggregate classification.
Comment: This variant is classified as likely benign based on ACMG/AMP sequence variant interpretation guidelines (Richards et al. 2015 PMID: 25741868, with internal and published modifications).